The following is an entry in ClinVar:

NM_002519.3(NPAT):c.1162A>G (p.Thr388Ala)

Gene: NPAT (nuclear protein, coactivator of histone transcription; minus strand). Cytogenetic location: 11q22.3.
Variant type: single nucleotide variant.
Coding change: c.1162A>G on transcript NM_002519.3 (MANE Select); coding-DNA position 1162, A replaced by G.
Protein change: p.Thr388Ala; replaces threonine 388 with alanine.
Molecular consequence: missense variant.
Genome position (GRCh38, 1-based): chr11:108,173,822, T>C on the plus strand (A>G on the coding strand, the complement: NPAT is on the minus strand). VCF-style: chr11-108173822-T-C. GRCh37 (hg19) VCF-style: chr11-108044549-T-C.
Other names: c.1162A>G, p.Thr388Ala (NM_001321307.1); short protein forms T388A.
Identifiers: ClinVar variation 3300604 (VCV003300604.1).

ClinVar aggregate classification (germline): Uncertain significance (1 of 4 stars; one submission).

gnomAD v4.1: 1 of 1,614,142 alleles (0.000062%); highest among the groups gnomAD compares: Admixed American, 0.0017%; no homozygotes.

Submission:

Ambry Genetics
Classification: Uncertain significance. Last evaluated: 2024-04-28. Review status: criteria provided, single submitter. Criteria: Ambry Variant Classification Scheme 2023. Collection method: clinical testing. Allele origin: germline.
Comment: The p.T388A variant (also known as c.1162A>G), located in coding exon 13 of the NPAT gene, results from an A to G substitution at nucleotide position 1162. The threonine at codon 388 is replaced by alanine, an amino acid with similar properties. This amino acid position is conserved. In addition, this alteration is predicted to be tolerated by in silico analysis. Based on the available evidence, the clinical significance of this variant remains unclear.